The following is an entry in ClinVar:

NM_001303052.2(MYT1L):c.3080+4355_3080+4387del

Gene: MYT1L (myelin transcription factor 1 like; minus strand). Cytogenetic location: 2p25.3.
Variant type: Microsatellite.
Coding change: c.3080+4355_3080+4387del on transcript NM_001303052.2 (MANE Select); bases 4355 to 4387 of the intron after coding-DNA position 3080, 33 bases deleted.
Molecular consequence: intron variant.
Genome position (GRCh38, 1-based): chr2:1,834,762-1,834,794, 33 bases deleted; deleting any 33 consecutive bases within chr2:1,834,762-1,834,854 gives the same sequence; the c. name uses the placement nearest the transcript's 3' end. GRCh37 (hg19), VCF-style position (the base before the change): chr2:1,838,533.
Other names: c.3074+4355_3074+4387del (NM_015025.4, NM_001329847.2, NM_001329848.1 and 3 more transcripts); c.3080+4355_3080+4387del (NM_001329844.2, NM_001329845.1, NM_001329851.3).
Identifiers: ClinVar variation 1694947 (VCV001694947.31), dbSNP rs1558695136, ClinGen allele CA530409806.
Genomic context (GRCh38, chr2:1,834,761, plus strand): 5'-ATGGAGACAGTGTTTCAATGGAGACGGAAGAATTGGAGAGATCAGTTCCACAACAGTGTG[AATACAGGTACTCCTCCACATACCACGGGGATGG>A]ATACAGGTACTCCTCCACATACCACGGGGATGGATACAGGTACTCCTCCACATACCACGG-3'

ClinVar aggregate classification (germline): Likely benign (1 of 4 stars; one submission).

Submission:

CeGaT Center for Human Genetics Tuebingen
Classification: Likely benign. Last evaluated: 2022-12-01. Review status: criteria provided, single submitter. Criteria: CeGaT Center For Human Genetics Tuebingen Variant Classification Criteria Version 2. Collection method: clinical testing. Allele origin: germline. Affected: yes. Observed: 6 variant alleles.
Comment: MYT1L: BS2